The following is an entry in ClinVar:

NM_014159.7(SETD2):c.3145A>G (p.Ser1049Gly)

Gene: SETD2 (SET domain containing 2, histone lysine methyltransferase; minus strand). Cytogenetic location: 3p21.31.
Variant type: single nucleotide variant.
Coding change: c.3145A>G on transcript NM_014159.7 (MANE Select); coding-DNA position 3145, A replaced by G.
Protein change: p.Ser1049Gly; replaces serine 1049 with glycine.
Molecular consequence: missense variant. On other transcripts: non-coding transcript variant (1).
Genome position (GRCh38, 1-based): chr3:47,121,491, T>C on the plus strand (A>G on the coding strand, the complement: SETD2 is on the minus strand). VCF-style: chr3-47121491-T-C. GRCh37 (hg19) VCF-style: chr3-47162981-T-C.
Other names: c.3013A>G, p.Ser1005Gly (NM_001349370.3); short protein forms S1005G, S1049G.
Identifiers: ClinVar variation 3952835 (VCV003952835.2).
Genomic context (GRCh38, chr3:47,121,491, plus strand): 5'-CAGACTGGAGACGGTTTCTTGGAATACTGCTATCATCCGAATCTGTATCTTCTGAATCAC[T>C]TTCATCATTTGAACTTTCAGAAGAGCCAGAATAATCTTCATGAACTGTAGACACAATTTC-3'
Protein context (NP_054878.5, residues 1039-1059): SGSSESSNDE[Ser1049Gly]DSEDTDSDDS

ClinVar aggregate classification (germline): Uncertain significance. Review status: criteria provided, multiple submitters, no conflicts (2 of 4 stars). 2 submissions from 2 submitters: Uncertain significance (2). Last evaluated 2025-09-23.

Conditions:
Inborn genetic diseases. Identifiers: MedGen C0950123, MeSH D030342.

gnomAD v4.1: 27 of 1,613,926 alleles (0.0017%); highest among the groups gnomAD compares: African/African-American, 0.0027%; no homozygotes.

Submissions (2):

Women's Health and Genetics/Laboratory Corporation of America, LabCorp
Classification: Uncertain significance. Last evaluated: 2025-09-23. Review status: criteria provided, single submitter. Criteria: LabCorp Variant Classification Summary - May 2015. Collection method: clinical testing. Allele origin: germline.
Comment: Variant summary: SETD2 c.3145A>G (p.Ser1049Gly) results in a non-conservative amino acid change in the encoded protein sequence. Algorithms developed to predict the effect of missense changes on protein structure and function all suggest that this variant is likely to be disruptive. The variant allele was found at a frequency of 8e-06 in 250944 control chromosomes. The available data on variant occurrences in the general population are insufficient to allow any conclusion about variant significance. To our knowledge, no occurrence of c.3145A>G in individuals affected with SETD2-related conditions and no experimental evidence demonstrating its impact on protein function have been reported. ClinVar contains an entry for this variant (Variation ID: 3952835). Based on the evidence outlined above, the variant was classified as uncertain significance.

Ambry Genetics
Classification: Uncertain significance for Inborn genetic diseases. Last evaluated: 2025-06-11. Review status: criteria provided, single submitter. Criteria: Ambry Variant Classification Scheme 2023. Collection method: clinical testing. Allele origin: germline.